The following is an entry in ClinVar:

NM_016373.4(WWOX):c.1052C>G (p.Ser351Cys)

Gene: WWOX (WW domain containing oxidoreductase; plus strand). Cytogenetic location: 16q23.1.
Variant type: single nucleotide variant.
Coding change: c.1052C>G on transcript NM_016373.4 (MANE Select); coding-DNA position 1052, C replaced by G.
Protein change: p.Ser351Cys; replaces serine 351 with cysteine.
Molecular consequence: missense variant.
Genome position (GRCh38, 1-based): chr16:78,432,748, C>G. VCF-style: chr16-78432748-C-G. GRCh37 (hg19) VCF-style: chr16-78466645-C-G.
Other names: c.713C>G, p.Ser238Cys (NM_001291997.2); short protein forms S351C, S238C.
Identifiers: ClinVar variation 4987826 (VCV004987826.1).

ClinVar aggregate classification (germline): Uncertain significance (1 of 4 stars; one submission).

Conditions:
WWOX-related disorder. Also called: WWOX-related condition.

Submission:

PreventionGenetics, part of Exact Sciences
Classification: Uncertain significance for WWOX-related condition. Last evaluated: 2026-09-10. Review status: criteria provided, single submitter. Criteria: ACMG Guidelines, 2015. Collection method: clinical testing. Allele origin: germline.
Comment: The WWOX c.1052C>G variant is predicted to result in the amino acid substitution p.Ser351Cys. To our knowledge, this variant has not been reported in the literature or in a large population database (gnomAD), indicating this variant is rare. At this time, the clinical significance of this variant is uncertain due to the absence of conclusive functional and genetic evidence.